The following is an entry in ClinVar:

NM_014714.4(IFT140):c.4232T>G (p.Met1411Arg)

Gene: IFT140 (intraflagellar transport 140; minus strand). Cytogenetic location: 16p13.3.
Variant type: single nucleotide variant.
Coding change: c.4232T>G on transcript NM_014714.4 (MANE Select); coding-DNA position 4232, T replaced by G.
Protein change: p.Met1411Arg; replaces methionine 1411 with arginine.
Molecular consequence: missense variant.
Genome position (GRCh38, 1-based): chr16:1,511,101, A>C on the plus strand (T>G on the coding strand, the complement: IFT140 is on the minus strand). VCF-style: chr16-1511101-A-C. GRCh37 (hg19) VCF-style: chr16-1561102-A-C.
Other names: short protein forms M1411R.
Identifiers: ClinVar variation 1349781 (VCV001349781.9), dbSNP rs752233693, ClinGen allele CA7812819.

ClinVar aggregate classification (germline): Uncertain significance. Review status: criteria provided, multiple submitters, no conflicts (2 of 4 stars). 2 submissions from 2 submitters: Uncertain significance (2). Last evaluated 2022-05-07.

Conditions:
Saldino-Mainzer syndrome (SRTD9). Also called: short-rib thoracic dysplasia 9 with or without polydactyly; SHORT-RIB THORACIC DYSPLASIA 9 WITHOUT POLYDACTYLY; CONORENAL SYNDROME; Renal dysplasia, retinal pigmentary dystrophy, cerebellar ataxia and skeletal dysplasia. Identifiers: Orphanet 140969, MedGen C1849437, MONDO:0009964, OMIM 266920.

Allele frequency attached by ClinVar (database versions not stated): ExAC 0.00001; gnomAD exomes 0.00002.

Submissions (2):

Labcorp Genetics (formerly Invitae), Labcorp
Classification: Uncertain significance for Saldino-Mainzer syndrome. Last evaluated: 2022-05-07. Review status: criteria provided, single submitter. Criteria: Invitae Variant Classification Sherloc (09022015). Collection method: clinical testing. Allele origin: germline.
Comment: In summary, the available evidence is currently insufficient to determine the role of this variant in disease. Therefore, it has been classified as a Variant of Uncertain Significance. Algorithms developed to predict the effect of sequence changes on RNA splicing suggest that this variant may create or strengthen a splice site. Algorithms developed to predict the effect of missense changes on protein structure and function (SIFT, PolyPhen-2, Align-GVGD) all suggest that this variant is likely to be tolerated. This variant has not been reported in the literature in individuals affected with IFT140-related conditions. This variant is present in population databases (rs752233693, gnomAD 0.01%). This sequence change replaces methionine, which is neutral and non-polar, with arginine, which is basic and polar, at codon 1411 of the IFT140 protein (p.Met1411Arg).

Blueprint Genetics
Classification: Uncertain significance. Last evaluated: 2022-04-28. Review status: criteria provided, single submitter. Criteria: ACMG Guidelines, 2015. Collection method: clinical testing. Allele origin: germline.